The following is an entry in ClinVar:

NM_004055.5(CAPN5):c.165+5del

Gene: CAPN5 (calpain 5; plus strand). Cytogenetic location: 11q13.5.
Variant type: Deletion.
Coding change: c.165+5del on transcript NM_004055.5 (MANE Select); 5 bases into the intron after coding-DNA position 165, one base deleted (G; older notation c.165+5delG).
Molecular consequence: intron variant.
Genome position (GRCh38, 1-based): chr11:77,085,056, G deleted. VCF-style (leftmost placement, unchanged base first): chr11-77085055-AG-A. GRCh37 (hg19) VCF-style: chr11-76796101-AG-A.
Identifiers: ClinVar variation 1310561 (VCV001310561.2), dbSNP rs2135423551, ClinGen allele CA2573053564.

ClinVar aggregate classification (germline): Uncertain significance (1 of 4 stars; one submission).

Submission:

GeneDx
Classification: Uncertain significance. Last evaluated: 2019-11-22. Review status: criteria provided, single submitter. Criteria: GeneDx Variant Classification Process June 2021. Collection method: clinical testing. Allele origin: germline. Affected: yes.
Comment: Not observed in large population cohorts (Lek et al., 2016); In silico analysis, which includes splice predictors and evolutionary conservation, supports a deleterious effect; Has not been previously published as pathogenic or benign to our knowledge